The following is an entry in ClinVar:

ClinVar aggregate classification (germline): Uncertain significance. Review status: criteria provided, multiple submitters, no conflicts (2 of 4 stars). 6 submissions from 6 submitters: Uncertain significance (6). Last evaluated 2025-12-30.

Conditions:
Autosomal dominant nonsyndromic hearing loss 6 (LFSNHL). Also called: Autosomal dominant nonsyndromic deafness 6; DEAFNESS, AUTOSOMAL DOMINANT 6; DEAFNESS, AUTOSOMAL DOMINANT 14; DEAFNESS, AUTOSOMAL DOMINANT 38. Identifiers: Orphanet 90635, MedGen C1833021, MONDO:0010963, OMIM 600965.
Type 2 diabetes mellitus. Also called: Type II diabetes mellitus. Identifiers: MedGen C0011860, MeSH D003924, MONDO:0005148, OMIM 125853, HP:0005978.
Wolfram-like syndrome. Also called: HEARING LOSS, PROGRESSIVE, WITH OPTIC ATROPHY AND/OR IMPAIRED GLUCOSE REGULATION. Identifiers: Orphanet 411590, MedGen C3280358, MONDO:0013673, OMIM 614296.
Cataract 41 (CTRCT41). Also called: CATARACT 41, CONGENITAL NUCLEAR TYPE. Identifiers: Orphanet 91492, Orphanet 98991, Orphanet 98992, Orphanet 98995, MedGen C3805412, MONDO:0007287, OMIM 116400.
Wolfram syndrome 1 (WFS1). Identifiers: Orphanet 3463, MedGen C4551693, MONDO:0009101, OMIM 222300.
Inborn genetic diseases. Identifiers: MedGen C0950123, MeSH D030342.

Allele frequency attached by ClinVar (database versions not stated): gnomAD exomes below 0.00001; ExAC 0.00001; gnomAD 0.00001; TOPMed 0.00003.
gnomAD v4.1: 6 of 1,613,646 alleles (0.00037%); highest among the groups gnomAD compares: African/African-American, 0.0067%; no homozygotes.

Submissions (6):

3billion
Classification: Uncertain significance for Wolfram syndrome 1. Last evaluated: 2025-12-30. Review status: criteria provided, single submitter. Criteria: ACMG Guidelines, 2015. Collection method: clinical testing. Allele origin: germline. Affected: yes.
Comment: The variant is observed at an extremely low frequency in the gnomAD v4.1.0 dataset (total allele frequency: 0.001%). Predicted Consequence/Location: Stop-gained (nonsense): predicted to result in a loss or disruption of normal protein function through protein truncation. The predicted truncated protein may be shortened by more than 10%. The variant has been reported at least twice as pathogenic with clinical assertions and evidence for the classification (ClinVar ID: VCV001012716 /PMID: 9817917). Therefore, this variant is classified as Pathogenic according to the recommendation of ACMG/AMP guideline.

Women's Health and Genetics/Laboratory Corporation of America, LabCorp
Classification: Uncertain significance. Last evaluated: 2025-06-10. Review status: criteria provided, single submitter. Criteria: LabCorp Variant Classification Summary - May 2015. Collection method: clinical testing. Allele origin: germline.
Comment: Variant summary: WFS1 c.1319C>T (p.Thr440Ile) results in a non-conservative amino acid change in the encoded protein sequence. Algorithms developed to predict the effect of missense changes on protein structure and function all suggest that this variant is likely to be disruptive. The variant allele was found at a frequency of 4e-06 in 250942 control chromosomes. The available data on variant occurrences in the general population are insufficient to allow any conclusion about variant significance. To our knowledge, no occurrence of c.1319C>T in individuals affected with WFS1-related conditions and no experimental evidence demonstrating its impact on protein function have been reported. ClinVar contains an entry for this variant (Variation ID: 1352971). Based on the evidence outlined above, the variant was classified as uncertain significance.

Ambry Genetics
Classification: Uncertain significance for Inborn genetic diseases. Last evaluated: 2025-05-28. Review status: criteria provided, single submitter. Criteria: Ambry Variant Classification Scheme 2023. Collection method: clinical testing. Allele origin: germline.

Labcorp Genetics (formerly Invitae), Labcorp
Classification: Uncertain significance. Last evaluated: 2025-01-23. Review status: criteria provided, single submitter. Criteria: Invitae Variant Classification Sherloc (09022015). Collection method: clinical testing. Allele origin: germline.
Comment: This sequence change replaces threonine, which is neutral and polar, with isoleucine, which is neutral and non-polar, at codon 440 of the WFS1 protein (p.Thr440Ile). This variant is present in population databases (rs775039116, gnomAD 0.007%). This variant has not been reported in the literature in individuals affected with WFS1-related conditions. ClinVar contains an entry for this variant (Variation ID: 1352971). Invitae Evidence Modeling of protein sequence and biophysical properties (such as structural, functional, and spatial information, amino acid conservation, physicochemical variation, residue mobility, and thermodynamic stability) has been performed for this missense variant. However, the output from this modeling did not meet the statistical confidence thresholds required to predict the impact of this variant on WFS1 protein function. In summary, the available evidence is currently insufficient to determine the role of this variant in disease. Therefore, it has been classified as a Variant of Uncertain Significance.

Fulgent Genetics
Classification: Uncertain significance for Cataract 41; Type 2 diabetes mellitus; Wolfram syndrome 1; Autosomal dominant nonsyndromic hearing loss 6; Wolfram-like syndrome. Last evaluated: 2022-02-24. Review status: criteria provided, single submitter. Criteria: ACMG Guidelines, 2015. Collection method: clinical testing. Allele origin: unknown.

Revvity Omics, Revvity
Classification: Uncertain significance. Last evaluated: 2020-06-19. Review status: criteria provided, single submitter. Criteria: ACMG Guidelines, 2015. Collection method: clinical testing. Allele origin: germline.

NM_006005.3(WFS1):c.1319C>T (p.Thr440Ile)

Gene: WFS1 (wolframin ER transmembrane glycoprotein; plus strand). Cytogenetic location: 4p16.1.
Variant type: single nucleotide variant.
Coding change: c.1319C>T on transcript NM_006005.3 (MANE Select); coding-DNA position 1319, C replaced by T.
Protein change: p.Thr440Ile; replaces threonine 440 with isoleucine.
Molecular consequence: missense variant.
Genome position (GRCh38, 1-based): chr4:6,301,114, C>T. VCF-style: chr4-6301114-C-T. GRCh37 (hg19) VCF-style: chr4-6302841-C-T.
Other names: c.1319C>T, p.Thr440Ile (NM_001145853.1); short protein forms T440I.
Identifiers: ClinVar variation 1352971 (VCV001352971.15), dbSNP rs775039116, ClinGen allele CA2839308.